The following is an entry in ClinVar:

NM_000138.5(FBN1):c.6168G>A (p.Leu2056=)

Gene: FBN1 (fibrillin 1; minus strand). Cytogenetic location: 15q21.1.
Variant type: single nucleotide variant.
Coding change: c.6168G>A on transcript NM_000138.5 (MANE Select); coding-DNA position 6168, G replaced by A.
Protein change: p.Leu2056=; no amino-acid change (leucine 2056 retained).
Molecular consequence: synonymous variant.
Genome position (GRCh38, 1-based): chr15:48,437,913, C>T on the plus strand (G>A on the coding strand, the complement: FBN1 is on the minus strand). VCF-style: chr15-48437913-C-T. GRCh37 (hg19) VCF-style: chr15-48730110-C-T.
Other names: c.6168G>A, p.Leu2056= (NM_001406716.1).
Identifiers: ClinVar variation 3069342 (VCV003069342.2), dbSNP rs2505438937, ClinGen allele CA490020129.

ClinVar aggregate classification (germline): Likely benign (1 of 4 stars; one submission).

Conditions:
Marfan syndrome (MFS). Also called: MARFAN SYNDROME, TYPE I; Marfan syndrome type 1; Marfan's syndrome; Marfan syndrome, classic; FBN1-Related Marfan Syndrome. Identifiers: Orphanet 284963, Orphanet 558, MedGen C0024796, MONDO:0007947, OMIM 154700.

Submission:

All of Us Research Program, National Institutes of Health
Classification: Likely benign for Marfan syndrome. Last evaluated: 2024-02-22. Review status: criteria provided, single submitter. Criteria: ACMG Guidelines, 2015. Collection method: clinical testing. Allele origin: germline. Inheritance: Autosomal dominant inheritance. Observed: 2 variant alleles, 2 heterozygotes.
Comment: This study involves interpretation of variants in research participants for the purpose of population health screening. Participant phenotype was not available at the time of variant classification. Additional details can be found in publication PMID: 35346344, PMCID: PMC8962531